The following is an entry in ClinVar:

ClinVar aggregate classification (germline): Conflicting classifications of pathogenicity. Review status: criteria provided, conflicting classifications (1 of 4 stars). 15 submissions from 15 submitters: Uncertain significance (1); Benign (7); Likely benign (1). 6 of the submissions do not count toward it. Last evaluated 2026-09-01.

Conditions:
RELN-related disorder. Also called: RELN-related condition.
Familial temporal lobe epilepsy 7. Identifiers: Orphanet 101046, MedGen C4225327, MONDO:0014639, OMIM 616436.
Norman-Roberts syndrome (LIS2). Also called: Lissencephaly 2 (Norman-Roberts type). Identifiers: Orphanet 89844, MedGen C0796089, MONDO:0009760, OMIM 257320.

Allele frequency attached by ClinVar (database versions not stated): TOPMed 0.00235; gnomAD 0.00261 and 0.00212; 1000 Genomes Project 30x 0.00344; ESP Exome Variant Server 0.00231; ExAC 0.00438; 1000 Genomes Project 0.00260; gnomAD exomes 0.00357 and 0.00409.
gnomAD v4.1: 5,639 of 1,610,538 alleles (0.35%); highest among the groups gnomAD compares: South Asian, 1.6%; 33 homozygotes.

Submissions (15):

CeGaT Center for Human Genetics Tuebingen
Classification: Benign. Last evaluated: 2026-09-01. Review status: criteria provided, single submitter. Criteria: CeGaT Center For Human Genetics Tuebingen Variant Classification Criteria Version 2. Collection method: clinical testing. Allele origin: germline. Affected: yes. Observed: 31 variant alleles.
Comment: RELN: BS1, BS2

Labcorp Genetics (formerly Invitae), Labcorp
Classification: Benign for Familial temporal lobe epilepsy 7; Norman-Roberts syndrome. Last evaluated: 2026-02-02. Review status: criteria provided, single submitter. Criteria: Invitae Variant Classification Sherloc (09022015). Collection method: clinical testing. Allele origin: germline.

Genetic Services Laboratory, University of Chicago
Classification: Benign. Last evaluated: 2019-07-15. Review status: criteria provided, single submitter. Criteria: ACMG Guidelines, 2015. Collection method: clinical testing. Allele origin: germline. Affected: no.

Athena Diagnostics
Classification: Benign. Last evaluated: 2018-01-25. Review status: criteria provided, single submitter. Criteria: Athena Diagnostics Criteria. Collection method: clinical testing. Allele origin: germline.

Illumina Laboratory Services, Illumina
Classification: Benign for Norman-Roberts syndrome. Last evaluated: 2018-01-12. Review status: criteria provided, single submitter. Criteria: ICSL Variant Classification Criteria 13 December 2019. Collection method: clinical testing. Allele origin: germline.
Comment: This variant was observed in the ICSL laboratory as part of a predisposition screen in an ostensibly healthy population. It had not been previously curated by ICSL or reported in the Human Gene Mutation Database (HGMD: prior to June 1st, 2018), and was therefore a candidate for classification through an automated scoring system. Utilizing variant allele frequency, disease prevalence and penetrance estimates, and inheritance mode, an automated score was calculated to assess if this variant is too frequent to cause the disease. Based on the score and internal cut-off values, a variant classified as benign is not then subjected to further curation. The score for this variant resulted in a classification of benign for this disease.

GeneDx
Classification: Benign. Last evaluated: 2017-12-13. Review status: criteria provided, single submitter. Criteria: GeneDx Variant Classification (06012015). Collection method: clinical testing. Allele origin: germline. Affected: yes.
Comment: This variant is considered likely benign or benign based on one or more of the following criteria: it is a conservative change, it occurs at a poorly conserved position in the protein, it is predicted to be benign by multiple in silico algorithms, and/or has population frequency not consistent with disease.

Lupski Lab, Baylor-Hopkins CMG, Baylor College of Medicine
Classification: Uncertain significance for Norman-Roberts syndrome. Last evaluated: 2017-09-01. Review status: criteria provided, single submitter. Criteria: Wiszniewski et al. (Eur J Hum Genet. 2018). Collection method: research. Allele origin: inherited, unknown. Inheritance: Autosomal recessive inheritance. Affected: yes and no. Observed: 2 variant alleles.

Center for Pediatric Genomic Medicine, Children's Mercy Hospital and Clinics
Classification: Likely benign. Last evaluated: 2017-06-01. Review status: criteria provided, single submitter. Criteria: ACMG Guidelines, 2015. Collection method: clinical testing. Allele origin: germline.

Eurofins Ntd Llc (ga)
Classification: Benign. Last evaluated: 2015-04-28. Review status: criteria provided, single submitter. Criteria: EGL Classification Definitions 2015. Collection method: clinical testing. Allele origin: germline. Observed: 3 variant alleles, 3 heterozygotes.

PreventionGenetics, part of Exact Sciences
Classification: Benign for RELN-related condition. Last evaluated: 2022-08-17. Review status: no assertion criteria provided. Collection method: clinical testing. Allele origin: germline. Not counted in ClinVar's aggregate classification.
Comment: This variant is classified as benign based on ACMG/AMP sequence variant interpretation guidelines (Richards et al. 2015 PMID: 25741868, with internal and published modifications).

Clinical Genetics DNA and cytogenetics Diagnostics Lab, Erasmus MC, Erasmus Medical Center
Classification: Likely benign. Review status: no assertion criteria provided. Collection method: clinical testing. Allele origin: germline. Affected: yes. Study: VKGL Data-share Consensus. Not counted in ClinVar's aggregate classification.

Clinical Genetics, Academic Medical Center
Classification: Likely benign. Review status: no assertion criteria provided. Collection method: clinical testing. Allele origin: germline. Affected: yes. Study: VKGL Data-share Consensus. Not counted in ClinVar's aggregate classification.

Diagnostic Laboratory, Department of Genetics, University Medical Center Groningen
Classification: Likely benign for Norman-Roberts syndrome. Review status: no assertion criteria provided. Collection method: clinical testing. Allele origin: germline. Affected: yes. Study: VKGL Data-share Consensus. Not counted in ClinVar's aggregate classification.

Genome Diagnostics Laboratory, University Medical Center Utrecht
Classification: Likely benign. Review status: no assertion criteria provided. Collection method: clinical testing. Allele origin: germline. Affected: yes. Study: VKGL Data-share Consensus. Not counted in ClinVar's aggregate classification.

Laboratory of Diagnostic Genome Analysis, Leiden University Medical Center (LUMC)
Classification: Likely benign. Review status: no assertion criteria provided. Collection method: clinical testing. Allele origin: germline. Affected: yes. Study: VKGL Data-share Consensus. Not counted in ClinVar's aggregate classification.

NM_005045.4(RELN):c.5618C>T (p.Thr1873Ile)

Gene: RELN (reelin; minus strand). Cytogenetic location: 7q22.1.
Variant type: single nucleotide variant.
Coding change: c.5618C>T on transcript NM_005045.4 (MANE Select); coding-DNA position 5618, C replaced by T.
Protein change: p.Thr1873Ile; replaces threonine 1873 with isoleucine.
Molecular consequence: missense variant.
Genome position (GRCh38, 1-based): chr7:103,557,156, G>A on the plus strand (C>T on the coding strand, the complement: RELN is on the minus strand). VCF-style: chr7-103557156-G-A. GRCh37 (hg19) VCF-style: chr7-103197603-G-A.
Other names: c.5618C>T, p.Thr1873Ile (NM_173054.3); short protein forms T1873I.
Identifiers: ClinVar variation 167582 (VCV000167582.56), dbSNP rs41275239, ClinGen allele CA180376.
Genomic context (GRCh38, chr7:103,557,156, plus strand): 5'-TGCCAAGTGATTCCTCCACTGATGGAGAATTGTAACAGAATAGAGTGAGATCTCTCTGGG[G>A]TACCTAGGAAGAAGATAACACAGGTATAAAACATACTGTGATAAAAATGGGGAAATGGTA-3'
Protein context (NP_005036.2, residues 1863-1883): QFSLRFIAKS[Thr1873Ile]PERSHSILLQ